The following is an entry in ClinVar:

ClinVar aggregate classification (germline): Uncertain significance (1 of 4 stars; one submission).

Conditions:
Hereditary cancer-predisposing syndrome. Also called: Tumor predisposition; Neoplastic Syndromes, Hereditary; Hereditary Cancer Syndrome; Hereditary neoplastic syndrome. Identifiers: Orphanet 140162, MedGen C0027672, MeSH D009386, MONDO:0015356.

Submission:

Ambry Genetics
Classification: Uncertain significance for Hereditary cancer-predisposing syndrome. Last evaluated: 2024-11-05. Review status: criteria provided, single submitter. Criteria: Ambry Variant Classification Scheme 2023. Collection method: clinical testing. Allele origin: germline.
Comment: The p.T1698A variant (also known as c.5092A>G), located in coding exon 22 of the DICER1 gene, results from an A to G substitution at nucleotide position 5092. The threonine at codon 1698 is replaced by alanine, an amino acid with similar properties. This amino acid position is conserved. In addition, this alteration is predicted to be deleterious by in silico analysis. Based on the available evidence, the clinical significance of this variant remains unclear.

NM_177438.3(DICER1):c.5092A>G (p.Thr1698Ala)

Gene: DICER1 (dicer 1, ribonuclease III; minus strand). Cytogenetic location: 14q32.13.
Variant type: single nucleotide variant.
Coding change: c.5092A>G on transcript NM_177438.3 (MANE Select); coding-DNA position 5092, A replaced by G.
Protein change: p.Thr1698Ala; replaces threonine 1698 with alanine.
Molecular consequence: missense variant. On other transcripts: non-coding transcript variant (6).
Genome position (GRCh38, 1-based): chr14:95,095,828, T>C on the plus strand (A>G on the coding strand, the complement: DICER1 is on the minus strand). VCF-style: chr14-95095828-T-C. GRCh37 (hg19) VCF-style: chr14-95562165-T-C.
Other names: c.5092A>G, p.Thr1698Ala (NM_001195573.1, NM_001271282.3, NM_001291628.2 and 12 more transcripts); c.4810A>G, p.Thr1604Ala (NM_001395686.1); c.4687A>G, p.Thr1563Ala (NM_001395687.1, NM_001395688.1, NM_001395689.1 and 2 more transcripts); c.4525A>G, p.Thr1509Ala (NM_001395691.1); c.3409A>G, p.Thr1137Ala (NM_001395697.1); short protein forms T1137A, T1604A, T1698A, T1509A, T1563A.
Identifiers: ClinVar variation 3501945 (VCV003501945.1).
Genomic context (GRCh38, chr14:95,095,828, plus strand): 5'-GAGATCAACACAAAGTCTCATTTTCCCAGAAATGAAGTCTGGTCGTGGGCTCCTTACCAG[T>C]GATAGTATTGTAGTGGTAGGAGGCATGTGTAAAAGCCTGGAGAAGGTAAGCCTTATTCTT-3'
Protein context (NP_803187.1, residues 1688-1708): THASYHYNTI[Thr1698Ala]DCYQRLEFLG